The following is an entry in ClinVar:

ClinVar aggregate classification (germline): Uncertain significance (1 of 4 stars; one submission).

Conditions:
Hypertrophic cardiomyopathy. Also called: HYPERTROPHIC MYOCARDIOPATHY. Identifiers: Orphanet 217569, MedGen C0007194, MeSH D002312, MONDO:0005045, HP:0001639.

Submission:

Labcorp Genetics (formerly Invitae), Labcorp
Classification: Uncertain significance for Hypertrophic cardiomyopathy. Last evaluated: 2025-03-16. Review status: criteria provided, single submitter. Criteria: Invitae Variant Classification Sherloc (09022015). Collection method: clinical testing. Allele origin: germline.
Comment: This sequence change replaces valine, which is neutral and non-polar, with leucine, which is neutral and non-polar, at codon 368 of the MYOM1 protein (p.Val368Leu). This variant is not present in population databases (gnomAD no frequency). This variant has not been reported in the literature in individuals affected with MYOM1-related conditions. Invitae Evidence Modeling of protein sequence and biophysical properties (such as structural, functional, and spatial information, amino acid conservation, physicochemical variation, residue mobility, and thermodynamic stability) indicates that this missense variant is expected to disrupt MYOM1 protein function with a positive predictive value of 80%. In summary, the available evidence is currently insufficient to determine the role of this variant in disease. Therefore, it has been classified as a Variant of Uncertain Significance.

NM_003803.4(MYOM1):c.1102G>T (p.Val368Leu)

Gene: MYOM1 (myomesin 1; minus strand). Cytogenetic location: 18p11.31.
Variant type: single nucleotide variant.
Coding change: c.1102G>T on transcript NM_003803.4 (MANE Select); coding-DNA position 1102, G replaced by T.
Protein change: p.Val368Leu; replaces valine 368 with leucine.
Molecular consequence: missense variant.
Genome position (GRCh38, 1-based): chr18:3,174,129, C>A on the plus strand (G>T on the coding strand, the complement: MYOM1 is on the minus strand). VCF-style: chr18-3174129-C-A. GRCh37 (hg19) VCF-style: chr18-3174127-C-A.
Other names: c.1102G>T, p.Val368Leu (NM_019856.2); short protein forms V368L.
Identifiers: ClinVar variation 4774443 (VCV004774443.1).